The following is an entry in ClinVar:

ClinVar aggregate classification (germline): Uncertain significance (1 of 4 stars; one submission).

Submission:

Labcorp Genetics (formerly Invitae), Labcorp
Classification: Uncertain significance. Last evaluated: 2022-08-09. Review status: criteria provided, single submitter. Criteria: Invitae Variant Classification Sherloc (09022015). Collection method: clinical testing. Allele origin: germline.
Comment: In summary, the available evidence is currently insufficient to determine the role of this variant in disease. Therefore, it has been classified as a Variant of Uncertain Significance. ClinVar contains an entry for this variant (Variation ID: 1374633). This variant has not been reported in the literature in individuals affected with GUCY2C-related conditions. This variant is not present in population databases (gnomAD no frequency). This sequence change creates a premature translational stop signal (p.Lys739Glnfs*4) in the GUCY2C gene. It is expected to result in an absent or disrupted protein product. However, the current clinical and genetic evidence is not sufficient to establish whether loss-of-function variants in GUCY2C cause disease.

NM_004963.4(GUCY2C):c.2213dup (p.Lys739fs)

Gene: GUCY2C (guanylate cyclase 2C; minus strand). Cytogenetic location: 12p12.3.
Variant type: Duplication.
Coding change: c.2213dup on transcript NM_004963.4 (MANE Select); coding-DNA position 2213, one base duplicated (T; older notation c.2213dupT).
Protein change: p.Lys739fs; shifts the reading frame from lysine 739.
Molecular consequence: frameshift variant.
Genome position (GRCh38, 1-based): chr12:14,628,682, A duplicated on the plus strand (T on the coding strand, the reverse complement: GUCY2C is on the minus strand); the first of 3 consecutive A bases (chr12:14,628,682-14,628,684); duplicating any one gives the same sequence. VCF-style (leftmost placement, unchanged base first): chr12-14628681-G-GA. GRCh37 (hg19) VCF-style: chr12-14781615-G-GA.
Other names: short protein forms K739fs.
Identifiers: ClinVar variation 1374633 (VCV001374633.6), dbSNP rs1947075147, ClinGen allele CA2017931402.